The following is an entry in ClinVar:

NM_031935.3(HMCN1):c.11660G>T (p.Arg3887Ile)

Gene: HMCN1 (hemicentin 1; plus strand). Cytogenetic location: 1q31.1.
Variant type: single nucleotide variant.
Coding change: c.11660G>T on transcript NM_031935.3 (MANE Select); coding-DNA position 11660, G replaced by T.
Protein change: p.Arg3887Ile; replaces arginine 3887 with isoleucine.
Molecular consequence: missense variant.
Genome position (GRCh38, 1-based): chr1:186,117,092, G>T. VCF-style: chr1-186117092-G-T. GRCh37 (hg19) VCF-style: chr1-186086224-G-T.
Other names: short protein forms R3887I.
Identifiers: ClinVar variation 2726241 (VCV002726241.3), dbSNP rs1258451806, ClinGen allele CA343945756.

ClinVar aggregate classification (germline): Uncertain significance (1 of 4 stars; one submission).

Allele frequency attached by ClinVar (database versions not stated): gnomAD exomes 0.00002; gnomAD 0.00002; TOPMed 0.00003.
gnomAD v4.1: 15 of 1,613,306 alleles (0.00093%); highest among the groups gnomAD compares: Admixed American, 0.023%; no homozygotes.

Submission:

Labcorp Genetics (formerly Invitae), Labcorp
Classification: Uncertain significance. Last evaluated: 2025-06-03. Review status: criteria provided, single submitter. Criteria: Invitae Variant Classification Sherloc (09022015). Collection method: clinical testing. Allele origin: germline.
Comment: This sequence change replaces arginine, which is basic and polar, with isoleucine, which is neutral and non-polar, at codon 3887 of the HMCN1 protein (p.Arg3887Ile). This variant is present in population databases (no rsID available, gnomAD 0.03%). This variant has not been reported in the literature in individuals affected with HMCN1-related conditions. ClinVar contains an entry for this variant (Variation ID: 2726241). An algorithm developed to predict the effect of missense changes on protein structure and function (PolyPhen-2) suggests that this variant is likely to be disruptive. In summary, the available evidence is currently insufficient to determine the role of this variant in disease. Therefore, it has been classified as a Variant of Uncertain Significance.